The following is an entry in ClinVar:

NM_001510.4(GRID2):c.62C>T (p.Ala21Val)

Genes: GRID2 (glutamate ionotropic receptor delta type subunit 2; plus strand), GRID2-AS1 (GRID2 antisense RNA 1; minus strand). Cytogenetic location: 4q22.1.
Variant type: single nucleotide variant.
Coding change: c.62C>T on transcript NM_001510.4 (MANE Select); coding-DNA position 62, C replaced by T.
Protein change: p.Ala21Val; replaces alanine 21 with valine.
Molecular consequence: missense variant.
Genome position (GRCh38, 1-based): chr4:92,304,718, C>T. VCF-style: chr4-92304718-C-T. GRCh37 (hg19) VCF-style: chr4-93225869-C-T.
Other names: c.62C>T, p.Ala21Val (NM_001286838.1); c.62C>T (NM_001510.2); short protein forms A21V.
Identifiers: ClinVar variation 1419994 (VCV001419994.5), dbSNP rs146789050, ClinGen allele CA3011853.
Genomic context (GRCh38, chr4:92,304,718, plus strand): 5'-TGGAAGTTTTCCCCTTTCTCTTGGTTTTGTCCGTCTGGTGGTCTCGAACCTGGGACTCGG[C>T]GAATGCGGATTCGATCATTCACATCGGTAAGAAAGTGTTGGTGCAGCTCGTGGTTACTTT-3'
Protein context (NP_001501.2, residues 11-31): SVWWSRTWDS[Ala21Val]NADSIIHIGA

ClinVar aggregate classification (germline): Uncertain significance. Review status: criteria provided, multiple submitters, no conflicts (2 of 4 stars). 2 submissions from 2 submitters: Uncertain significance (2). Last evaluated 2025-10-27.

Conditions:
Inborn genetic diseases. Identifiers: MedGen C0950123, MeSH D030342.

Allele frequency attached by ClinVar (database versions not stated): gnomAD exomes 0.00009; ExAC 0.00012; gnomAD 0.00038 and 0.00039; 1000 Genomes Project 0.00040; 1000 Genomes Project 30x 0.00047; TOPMed 0.00047; ESP Exome Variant Server 0.00062.
gnomAD v4.1: 91 of 1,612,714 alleles (0.0056%); highest among the groups gnomAD compares: African/African-American, 0.11%; no homozygotes.

Submissions (2):

Labcorp Genetics (formerly Invitae), Labcorp
Classification: Uncertain significance. Last evaluated: 2025-10-27. Review status: criteria provided, single submitter. Criteria: Invitae Variant Classification Sherloc (09022015). Collection method: clinical testing. Allele origin: germline.
Comment: This sequence change replaces alanine, which is neutral and non-polar, with valine, which is neutral and non-polar, at codon 21 of the GRID2 protein (p.Ala21Val). This variant is present in population databases (rs146789050, gnomAD 0.1%). This variant has not been reported in the literature in individuals affected with GRID2-related conditions. ClinVar contains an entry for this variant (Variation ID: 1419994). An algorithm developed to predict the effect of missense changes on protein structure and function outputs the following: PolyPhen-2: "Benign". The valine amino acid residue is found in multiple mammalian species, which suggests that this missense change does not adversely affect protein function. In summary, the available evidence is currently insufficient to determine the role of this variant in disease. Therefore, it has been classified as a Variant of Uncertain Significance.

Ambry Genetics
Classification: Uncertain significance for Inborn genetic diseases. Last evaluated: 2024-05-01. Review status: criteria provided, single submitter. Criteria: Ambry Variant Classification Scheme 2023. Collection method: clinical testing. Allele origin: germline.